The following is an entry in ClinVar:

ClinVar aggregate classification (germline): Uncertain significance (1 of 4 stars; one submission).

Conditions:
Primary ciliary dyskinesia. Also called: Ciliary dyskinesia. Identifiers: Orphanet 244, MedGen C0008780, MONDO:0016575, HP:0012265.

Submission:

Labcorp Genetics (formerly Invitae), Labcorp
Classification: Uncertain significance for Primary ciliary dyskinesia. Last evaluated: 2025-07-20. Review status: criteria provided, single submitter. Criteria: Invitae Variant Classification Sherloc (09022015). Collection method: clinical testing. Allele origin: germline.
Comment: This sequence change replaces histidine, which is basic and polar, with asparagine, which is neutral and polar, at codon 191 of the DNAH11 protein (p.His191Asn). This variant is not present in population databases (gnomAD no frequency). This variant has not been reported in the literature in individuals affected with DNAH11-related conditions. Invitae Evidence Modeling of protein sequence and biophysical properties (such as structural, functional, and spatial information, amino acid conservation, physicochemical variation, residue mobility, and thermodynamic stability) indicates that this missense variant is not expected to disrupt DNAH11 protein function with a negative predictive value of 95%. In summary, the available evidence is currently insufficient to determine the role of this variant in disease. Therefore, it has been classified as a Variant of Uncertain Significance.

NM_001277115.2(DNAH11):c.571C>A (p.His191Asn)

Gene: DNAH11 (dynein axonemal heavy chain 11; plus strand). Cytogenetic location: 7p15.3.
Variant type: single nucleotide variant.
Coding change: c.571C>A on transcript NM_001277115.2 (MANE Select); coding-DNA position 571, C replaced by A.
Protein change: p.His191Asn; replaces histidine 191 with asparagine.
Molecular consequence: missense variant.
Genome position (GRCh38, 1-based): chr7:21,558,877, C>A. VCF-style: chr7-21558877-C-A. GRCh37 (hg19) VCF-style: chr7-21598495-C-A.
Other names: short protein forms H191N.
Identifiers: ClinVar variation 4703068 (VCV004703068.1).